The following is an entry in ClinVar:

ClinVar aggregate classification (germline): Likely benign. Review status: criteria provided, single submitter (1 of 4 stars). 2 submissions from 2 submitters: Likely benign (1). 1 of the submissions does not count toward it. Last evaluated 2024-10-22.

Conditions:
EXO1-related disorder. Also called: EXO1-related condition.

Allele frequency attached by ClinVar (database versions not stated): gnomAD exomes 0.00012; ExAC 0.00029; ESP Exome Variant Server 0.00062; gnomAD 0.00071; TOPMed 0.00080; 1000 Genomes Project 0.00100; 1000 Genomes Project 30x 0.00109.
gnomAD v4.1: 277 of 1,611,084 alleles (0.017%); highest among the groups gnomAD compares: African/African-American, 0.25%; no homozygotes.

Submissions (2):

Blueprint Genetics
Classification: Likely benign. Last evaluated: 2024-10-22. Review status: criteria provided, single submitter. Criteria: ACMG Guidelines, 2015. Collection method: clinical testing. Allele origin: germline.

PreventionGenetics, part of Exact Sciences
Classification: Likely benign for EXO1-related condition. Last evaluated: 2019-07-10. Review status: no assertion criteria provided. Collection method: clinical testing. Allele origin: germline. Not counted in ClinVar's aggregate classification.
Comment: This variant is classified as likely benign based on ACMG/AMP sequence variant interpretation guidelines (Richards et al. 2015 PMID: 25741868, with internal and published modifications).

NM_130398.4(EXO1):c.546A>G (p.Val182=)

Gene: EXO1 (exonuclease 1; plus strand). Cytogenetic location: 1q43.
Variant type: single nucleotide variant.
Coding change: c.546A>G on transcript NM_130398.4 (MANE Select); coding-DNA position 546, A replaced by G.
Protein change: p.Val182=; no amino-acid change (valine 182 retained).
Molecular consequence: synonymous variant.
Genome position (GRCh38, 1-based): chr1:241,858,508, A>G. VCF-style: chr1-241858508-A-G. GRCh37 (hg19) VCF-style: chr1-242021810-A-G.
Other names: c.546A>G, p.Val182= (NM_001319224.2, NM_003686.4, NM_006027.4).
Identifiers: ClinVar variation 3050624 (VCV003050624.3), dbSNP rs147677398, ClinGen allele CA1481102.